The following is an entry in ClinVar:

ClinVar aggregate classification (germline): Uncertain significance (1 of 4 stars; one submission).

Submission:

Ambry Genetics
Classification: Uncertain significance. Last evaluated: 2025-02-01. Review status: criteria provided, single submitter. Criteria: Ambry Variant Classification Scheme 2023. Collection method: clinical testing. Allele origin: germline.
Comment: The p.E522D variant (also known as c.1566G>T), located in coding exon 7 of the WNK2 gene, results from a G to T substitution at nucleotide position 1566. The glutamic acid at codon 522 is replaced by aspartic acid, an amino acid with highly similar properties. This amino acid position is conserved. In addition, the in silico prediction for this alteration is inconclusive. Based on the available evidence, the clinical significance of this variant remains unclear.

NM_006648.4(WNK2):c.1566G>T (p.Glu522Asp)

Gene: WNK2 (WNK lysine deficient protein kinase 2; plus strand). Cytogenetic location: 9q22.31.
Variant type: single nucleotide variant.
Coding change: c.1566G>T on transcript NM_006648.4 (MANE Select); coding-DNA position 1566, G replaced by T.
Protein change: p.Glu522Asp; replaces glutamic acid 522 with aspartic acid.
Molecular consequence: missense variant.
Genome position (GRCh38, 1-based): chr9:93,247,566, G>T. VCF-style: chr9-93247566-G-T. GRCh37 (hg19) VCF-style: chr9-96009848-G-T.
Other names: c.1566G>T, p.Glu522Asp (NM_001282394.3); short protein forms E522D.
Identifiers: ClinVar variation 3816963 (VCV003816963.1).